The following is an entry in ClinVar:

NM_000435.3(NOTCH3):c.2091T>A (p.His697Gln)

Gene: NOTCH3 (notch receptor 3; minus strand). Cytogenetic location: 19p13.12.
Variant type: single nucleotide variant.
Coding change: c.2091T>A on transcript NM_000435.3 (MANE Select); coding-DNA position 2091, T replaced by A.
Protein change: p.His697Gln; replaces histidine 697 with glutamine.
Molecular consequence: missense variant.
Genome position (GRCh38, 1-based): chr19:15,185,540, A>T on the plus strand (T>A on the coding strand, the complement: NOTCH3 is on the minus strand). VCF-style: chr19-15185540-A-T. GRCh37 (hg19) VCF-style: chr19-15296351-A-T.
Other names: short protein forms H697Q.
Identifiers: ClinVar variation 3766704 (VCV003766704.1).
Genomic context (GRCh38, chr19:15,185,540, plus strand): 5'-CCCTCACCCGCCAGGTGCATCATAGCAGATGCCGTGACTGCAGGGCTCATGGGCACAGGG[A>T]TGGCTCGGGGGGAGGCAGAGTGGGGGCAAGGAGCCAGGCGGGCAGAGGCAGCGGAAGCCA-3'
Protein context (NP_000426.2, residues 687-707): SLPPLCLPPS[His697Gln]PCAHEPCSHG

ClinVar aggregate classification (germline): Uncertain significance (1 of 4 stars; one submission).

Submission:

ARUP Laboratories, Molecular Genetics and Genomics, ARUP Laboratories
Classification: Uncertain significance. Last evaluated: 2024-07-09. Review status: criteria provided, single submitter. Criteria: ARUP Molecular Germline Variant Investigation Process 2024. Collection method: clinical testing. Allele origin: germline.
Comment: The NOTCH3 c.2091T>A; p.His697Gln variant, to our knowledge, is not reported in the medical literature or gene specific databases. This variant is absent from the Genome Aggregation Database (v2.1.1), indicating it is not a common polymorphism. Computational analyses are uncertain whether this variant is neutral or deleterious (REVEL: 0.355). Most pathogenic NOTCH3 variants occur in exons 2-24 and either create or destroy a cysteine residue within an EGF-like domain (Rutten 2014). However, there are several amino acid substitutions not involving cysteine that may be disease-associated (Muino 2017). Although p.His697Gln does not involve a cysteine residue, due to its low population frequency its clinical significance is uncertain. References: Muino E et al. Systematic Review of Cysteine-Sparing NOTCH3 Missense Mutations in Patients with Clinical Suspicion of CADASIL. Int J Mol Sci. 2017 Sep 13;18(9). pii: E1964. PMID: 28902129. Rutten JW et al. Interpretation of NOTCH3 mutations in the diagnosis of CADASIL. Expert Rev Mol Diagn. 2014 Jun;14(5):593-603. PMID: 24844136.